The following is an entry in ClinVar:

ClinVar aggregate classification (germline): Uncertain significance (1 of 4 stars; one submission).

Allele frequency attached by ClinVar (database versions not stated): ExAC 0.00003; gnomAD exomes 0.00003; gnomAD 0.00002; TOPMed 0.00002.
gnomAD v4.1: 42 of 1,611,512 alleles (0.0026%); highest among the groups gnomAD compares: Non-Finnish European, 0.0035%; no homozygotes.

Submission:

Labcorp Genetics (formerly Invitae), Labcorp
Classification: Uncertain significance. Last evaluated: 2025-08-11. Review status: criteria provided, single submitter. Criteria: Invitae Variant Classification Sherloc (09022015). Collection method: clinical testing. Allele origin: germline.
Comment: This sequence change replaces proline, which is neutral and non-polar, with leucine, which is neutral and non-polar, at codon 313 of the MYLK3 protein (p.Pro313Leu). This variant is present in population databases (rs764803236, gnomAD 0.002%). This variant has not been reported in the literature in individuals affected with MYLK3-related conditions. ClinVar contains an entry for this variant (Variation ID: 2155303). An algorithm developed to predict the effect of missense changes on protein structure and function outputs the following: PolyPhen-2: "Benign". The leucine amino acid residue is found in multiple mammalian species, which suggests that this missense change does not adversely affect protein function. In summary, the available evidence is currently insufficient to determine the role of this variant in disease. Therefore, it has been classified as a Variant of Uncertain Significance.

NM_182493.3(MYLK3):c.938C>T (p.Pro313Leu)

Gene: MYLK3 (myosin light chain kinase 3; minus strand). Cytogenetic location: 16q11.2.
Variant type: single nucleotide variant.
Coding change: c.938C>T on transcript NM_182493.3 (MANE Select); coding-DNA position 938, C replaced by T.
Protein change: p.Pro313Leu; replaces proline 313 with leucine.
Molecular consequence: missense variant. On other transcripts: intron variant (1).
Genome position (GRCh38, 1-based): chr16:46,737,774, G>A on the plus strand (C>T on the coding strand, the complement: MYLK3 is on the minus strand). VCF-style: chr16-46737774-G-A. GRCh37 (hg19) VCF-style: chr16-46771686-G-A.
Other names: c.-23+2283C>T (NM_001308301.1); short protein forms P313L.
Identifiers: ClinVar variation 2155303 (VCV002155303.4), dbSNP rs764803236, ClinGen allele CA8038116.